The following is an entry in ClinVar:

ClinVar aggregate classification (germline): Likely pathogenic (1 of 4 stars; one submission).

Conditions:
Wilms tumor 7. Identifiers: MedGen C6065906, MONDO:0979876, OMIM 621332.

Submission:

Institute of Human Genetics, Heidelberg University
Classification: Likely pathogenic for Wilms tumor 7. Last evaluated: 2026-06-19. Review status: criteria provided, single submitter. Criteria: ACMG Guidelines, 2015. Collection method: clinical testing. Allele origin: unknown. Affected: yes. Observed: 1 variant allele.
Comment: PVS1; PM2_sup

NM_005762.3(TRIM28):c.2140_2143del (p.His714fs)

Gene: TRIM28 (tripartite motif containing 28; plus strand). Cytogenetic location: 19q13.43.
Variant type: Deletion.
Coding change: c.2140_2143del on transcript NM_005762.3 (MANE Select); coding-DNA positions 2140 to 2143, 4 bases deleted (CACG; older notation c.2140_2143delCACG).
Protein change: p.His714fs; shifts the reading frame from histidine 714.
Molecular consequence: frameshift variant.
Genome position (GRCh38, 1-based): chr19:58,549,982-58,549,985, CACG deleted. VCF-style (leftmost placement, unchanged base first): chr19-58549981-TCACG-T. GRCh37 (hg19) VCF-style: chr19-59061348-TCACG-T.
Other names: short protein forms H714fs.
Identifiers: ClinVar variation 4884434 (VCV004884434.1).